The following is an entry in ClinVar:

ClinVar aggregate classification (germline): Pathogenic/Likely pathogenic. Review status: criteria provided, multiple submitters, no conflicts (2 of 4 stars). 2 submissions from 2 submitters: Pathogenic (1); Likely pathogenic (1). Last evaluated 2024-09-08.

Conditions:
Dilated cardiomyopathy 1GG (CMD1GG). Identifiers: Orphanet 154, MedGen C3150898, MONDO:0013339, OMIM 613642.
Pheochromocytoma/paraganglioma syndrome 5. Also called: Paragangliomas 5; SDHA-Related Hereditary Paraganglioma-Pheochromocytoma Syndrome. Identifiers: Orphanet 29072, MedGen C3279992, MONDO:0013602, OMIM 614165.
Mitochondrial complex II deficiency, nuclear type 1. Also called: SUCCINATE CoQ REDUCTASE DEFICIENCY. Identifiers: Orphanet 3208, MedGen C5700310, MONDO:0100294, OMIM 252011.

gnomAD v4.1: 1 of 1,614,018 alleles (0.000062%); highest among the groups gnomAD compares: Admixed American, 0.0017%; no homozygotes.

Submissions (2):

Labcorp Genetics (formerly Invitae), Labcorp
Classification: Pathogenic for Pheochromocytoma/paraganglioma syndrome 5; Mitochondrial complex II deficiency, nuclear type 1. Last evaluated: 2024-09-08. Review status: criteria provided, single submitter. Criteria: Invitae Variant Classification Sherloc (09022015). Collection method: clinical testing. Allele origin: germline.
Comment: This sequence change creates a premature translational stop signal (p.Gln367*) in the SDHA gene. It is expected to result in an absent or disrupted protein product. Loss-of-function variants in SDHA are known to be pathogenic (PMID: 22974104, 24781757). This variant is present in population databases (no rsID available, gnomAD 0.003%). This premature translational stop signal has been observed in individual(s) with medulloblastoma (PMID: 29489754). For these reasons, this variant has been classified as Pathogenic.

Baylor Genetics
Classification: Likely pathogenic for Dilated cardiomyopathy 1GG. Last evaluated: 2023-02-09. Review status: criteria provided, single submitter. Criteria: ACMG Guidelines, 2015. Collection method: clinical testing. Allele origin: unknown.

Literature cited by the submitters: PubMed 22974104 (cited by Labcorp Genetics (formerly Invitae), Labcorp); PubMed 24781757 (cited by Labcorp Genetics (formerly Invitae), Labcorp); PubMed 29489754 (cited by Labcorp Genetics (formerly Invitae), Labcorp).

NM_004168.4(SDHA):c.1099C>T (p.Gln367Ter)

Gene: SDHA (succinate dehydrogenase complex flavoprotein subunit A; plus strand). Cytogenetic location: 5p15.33.
Variant type: single nucleotide variant.
Coding change: c.1099C>T on transcript NM_004168.4 (MANE Select); coding-DNA position 1099, C replaced by T.
Protein change: p.Gln367Ter; replaces glutamine 367 with a stop codon.
Molecular consequence: nonsense.
Genome position (GRCh38, 1-based): chr5:235,178, C>T. VCF-style: chr5-235178-C-T. GRCh37 (hg19) VCF-style: chr5-235293-C-T.
Other names: c.955C>T, p.Gln319Ter (NM_001294332.2); c.1099C>T, p.Gln367Ter (NM_001330758.2); short protein forms Q319*, Q367*.
Identifiers: ClinVar variation 2678627 (VCV002678627.4), dbSNP rs780941330, ClinGen allele CA359013453.
Genomic context (GRCh38, chr5:235,178, plus strand): 5'-TATGTGATGGTGTTCTGTCTTACCAGAGGCTGTGGCCCTGAGAAAGATCACGTCTACCTG[C>T]AGCTGCACCACCTACCTCCAGAGCAGCTGGCCACGCGCCTGCCTGGCATTTCAGAGACAG-3'